The following is an entry in ClinVar:

NM_000038.6(APC):c.3961A>G (p.Ser1321Gly)

Gene: APC (APC regulator of Wnt signaling pathway; plus strand). Cytogenetic location: 5q22.2.
Variant type: single nucleotide variant.
Coding change: c.3961A>G on transcript NM_000038.6 (MANE Select); coding-DNA position 3961, A replaced by G.
Protein change: p.Ser1321Gly; replaces serine 1321 with glycine.
Molecular consequence: missense variant.
Genome position (GRCh38, 1-based): chr5:112,839,555, A>G. VCF-style: chr5-112839555-A-G. GRCh37 (hg19) VCF-style: chr5-112175252-A-G.
Other names: c.3961A>G (NM_000038.5); c.3961A>G, p.Ser1321Gly (NM_001127510.3, NM_001354895.2, NM_001407450.1); c.3907A>G, p.Ser1303Gly (NM_001127511.3); c.4015A>G, p.Ser1339Gly (NM_001354896.2, NM_001407447.1, NM_001407448.1 and 1 more transcripts); c.3991A>G, p.Ser1331Gly (NM_001354897.2); c.3886A>G, p.Ser1296Gly (NM_001354898.2); c.3877A>G, p.Ser1293Gly (NM_001354899.2); c.3838A>G, p.Ser1280Gly (NM_001354900.2); and 12 more; short protein forms S1296G, S1321G, S1349G, S1161G, S1195G, S1311G, S1331G, S1303G.
Identifiers: ClinVar variation 2041922 (VCV002041922.5), dbSNP rs2149902915, ClinGen allele CA16030019.

ClinVar aggregate classification (germline): Uncertain significance. Review status: criteria provided, multiple submitters, no conflicts (2 of 4 stars). 2 submissions from 2 submitters: Uncertain significance (2). Last evaluated 2025-11-25.

Conditions:
Hereditary cancer-predisposing syndrome. Also called: Neoplastic Syndromes, Hereditary; Hereditary Cancer Syndrome; Hereditary neoplastic syndrome; Tumor predisposition. Identifiers: Orphanet 140162, MedGen C0027672, MeSH D009386, MONDO:0015356.
Familial adenomatous polyposis 1 (FAP1). Also called: FAMILIAL ADENOMATOUS POLYPOSIS 1, ATTENUATED; POLYPOSIS, ADENOMATOUS INTESTINAL. Identifiers: MedGen C2713442, MONDO:0021056, OMIM 175100. Disease mechanism: loss of function.

Submissions (2):

Ambry Genetics
Classification: Uncertain significance for Hereditary cancer-predisposing syndrome. Last evaluated: 2025-11-25. Review status: criteria provided, single submitter. Criteria: Ambry Variant Classification Scheme 2023. Collection method: clinical testing. Allele origin: germline.
Comment: The p.S1321G variant (also known as c.3961A>G), located in coding exon 15 of the APC gene, results from an A to G substitution at nucleotide position 3961. The serine at codon 1321 is replaced by glycine, an amino acid with similar properties. This amino acid position is conserved. In addition, in silico predictors for this gene do not accurately predict pathogenicity. Based on the available evidence, the clinical significance of this variant remains unclear.

Labcorp Genetics (formerly Invitae), Labcorp
Classification: Uncertain significance for Familial adenomatous polyposis 1. Last evaluated: 2023-04-08. Review status: criteria provided, single submitter. Criteria: Invitae Variant Classification Sherloc (09022015). Collection method: clinical testing. Allele origin: germline.
Comment: In summary, the available evidence is currently insufficient to determine the role of this variant in disease. Therefore, it has been classified as a Variant of Uncertain Significance. Advanced modeling of protein sequence and biophysical properties (such as structural, functional, and spatial information, amino acid conservation, physicochemical variation, residue mobility, and thermodynamic stability) performed at Invitae indicates that this missense variant is not expected to disrupt APC protein function. ClinVar contains an entry for this variant (Variation ID: 2041922). This variant has not been reported in the literature in individuals affected with APC-related conditions. This variant is not present in population databases (gnomAD no frequency). This sequence change replaces serine, which is neutral and polar, with glycine, which is neutral and non-polar, at codon 1321 of the APC protein (p.Ser1321Gly).